The following is an entry in ClinVar:

NM_001267550.2(TTN):c.4851C>T (p.Ile1617=)

Genes: TTN (titin; minus strand), LOC101927055 (uncharacterized LOC101927055; plus strand). Cytogenetic location: 2q31.2.
Variant type: single nucleotide variant.
Coding change: c.4851C>T on transcript NM_001267550.2 (MANE Select); coding-DNA position 4851, C replaced by T.
Protein change: p.Ile1617=; no amino-acid change (isoleucine 1617 retained).
Molecular consequence: synonymous variant. On other transcripts: non-coding transcript variant (1).
Genome position (GRCh38, 1-based): chr2:178,777,013, G>A on the plus strand (C>T on the coding strand, the complement: TTN is on the minus strand). VCF-style: chr2-178777013-G-A. GRCh37 (hg19) VCF-style: chr2-179641740-G-A.
Other names: c.4851C>T, p.Ile1617= (NM_001256850.1, NM_133378.4, NM_133379.5); c.4713C>T, p.Ile1571= (NM_003319.4, NM_133432.3, NM_133437.4).
Identifiers: ClinVar variation 389262 (VCV000389262.2), dbSNP rs756286153, ClinGen allele CA2005251.

ClinVar aggregate classification (germline): Likely benign. Review status: criteria provided, multiple submitters, no conflicts (2 of 4 stars). 2 submissions from 2 submitters: Likely benign (2). Last evaluated 2025-05-14.

Conditions:
Dilated cardiomyopathy 1G (CMD1G). Identifiers: Orphanet 154, MedGen C1858763, MONDO:0011400, OMIM 604145.
Autosomal recessive limb-girdle muscular dystrophy type 2J (LGMDR10). Also called: MUSCULAR DYSTROPHY, LIMB-GIRDLE, AUTOSOMAL RECESSIVE 10; Limb-girdle muscular dystrophy, type 2J. Identifiers: Orphanet 140922, MedGen C1837342, MONDO:0012127, OMIM 608807.

Allele frequency attached by ClinVar (database versions not stated): gnomAD exomes below 0.00001 and 0.00001; gnomAD 0.00001; TOPMed 0.00001; ExAC 0.00002.
gnomAD v4.1: 6 of 1,613,902 alleles (0.00037%); highest among the groups gnomAD compares: East Asian, 0.0045%; no homozygotes.

Submissions (2):

Labcorp Genetics (formerly Invitae), Labcorp
Classification: Likely benign for Dilated cardiomyopathy 1G; Autosomal recessive limb-girdle muscular dystrophy type 2J. Last evaluated: 2025-05-14. Review status: criteria provided, single submitter. Criteria: Invitae Variant Classification Sherloc (09022015). Collection method: clinical testing. Allele origin: germline.

GeneDx
Classification: Likely benign. Last evaluated: 2016-09-15. Review status: criteria provided, single submitter. Criteria: GeneDx Variant Classification (06012015). Collection method: clinical testing. Allele origin: germline. Affected: yes.
Comment: This variant is considered likely benign or benign based on one or more of the following criteria: it is a conservative change, it occurs at a poorly conserved position in the protein, it is predicted to be benign by multiple in silico algorithms, and/or has population frequency not consistent with disease.